The following is an entry in ClinVar:

NM_000288.4(PEX7):c.183T>A (p.Phe61Leu)

Gene: PEX7 (peroxisomal biogenesis factor 7; plus strand). Cytogenetic location: 6q23.3.
Variant type: single nucleotide variant.
Coding change: c.183T>A on transcript NM_000288.4 (MANE Select); coding-DNA position 183, T replaced by A.
Protein change: p.Phe61Leu; replaces phenylalanine 61 with leucine.
Molecular consequence: missense variant.
Genome position (GRCh38, 1-based): chr6:136,825,266, T>A. VCF-style: chr6-136825266-T-A. GRCh37 (hg19) VCF-style: chr6-137146404-T-A.
Other names: c.183T>A (NM_000288.3); short protein forms F61L.
Identifiers: ClinVar variation 594068 (VCV000594068.6), dbSNP rs1562725419, ClinGen allele CA365855684.
Genomic context (GRCh38, chr6:136,825,266, plus strand): 5'-CTCTTTAGGCTGTGGAACCCTACTAATATTGGATCCAGATGAAGCTGGGCTAAGGCTTTT[T>A]AGAAGGTAAGGGGGCTGAAATTATTAAAGGTATATATTGTTGCTATTAAAGCCTTAATAG-3'
Protein context (NP_000279.1, residues 51-71): LDPDEAGLRL[Phe61Leu]RSFDWNDGLF

ClinVar aggregate classification (germline): Uncertain significance. Review status: criteria provided, multiple submitters, no conflicts (2 of 4 stars). 2 submissions from 2 submitters: Uncertain significance (2). Last evaluated 2025-05-03.

Conditions:
Inborn genetic diseases. Identifiers: MedGen C0950123, MeSH D030342.

Allele frequency attached by ClinVar (database versions not stated): gnomAD exomes below 0.00001.
gnomAD v4.1: 1 of 1,612,462 alleles (0.000062%); highest among the groups gnomAD compares: Non-Finnish European, 0.000085%; no homozygotes.

Submissions (2):

Ambry Genetics
Classification: Uncertain significance for Inborn genetic diseases. Last evaluated: 2025-05-03. Review status: criteria provided, single submitter. Criteria: Ambry Variant Classification Scheme 2023. Collection method: clinical testing. Allele origin: germline.
Comment: The p.F61L variant (also known as c.183T>A), located in coding exon 2 of the PEX7 gene, results from a T to A substitution at nucleotide position 183. The phenylalanine at codon 61 is replaced by leucine, an amino acid with highly similar properties. This amino acid position is conserved. In addition, this alteration is predicted to be tolerated by in silico analysis. Based on the available evidence, the clinical significance of this variant remains unclear.

Eurofins Ntd Llc (ga)
Classification: Uncertain significance. Last evaluated: 2017-09-13. Review status: criteria provided, single submitter. Criteria: EGL Classification Definitions 2015. Collection method: clinical testing. Allele origin: germline. Observed: 2 variant alleles, 2 heterozygotes.